The following is an entry in ClinVar:

ClinVar aggregate classification (germline): Uncertain significance (1 of 4 stars; one submission).

Conditions:
Familial adenomatous polyposis 1 (FAP1). Also called: FAMILIAL ADENOMATOUS POLYPOSIS 1, ATTENUATED; POLYPOSIS, ADENOMATOUS INTESTINAL. Identifiers: MedGen C2713442, MONDO:0021056, OMIM 175100. Disease mechanism: loss of function.

Submission:

Labcorp Genetics (formerly Invitae), Labcorp
Classification: Uncertain significance for Familial adenomatous polyposis 1. Last evaluated: 2024-01-10. Review status: criteria provided, single submitter. Criteria: Invitae Variant Classification Sherloc (09022015). Collection method: clinical testing. Allele origin: germline.
Comment: This sequence change replaces arginine, which is basic and polar, with leucine, which is neutral and non-polar, at codon 99 of the APC protein (p.Arg99Leu). This variant is present in population databases (no rsID available, gnomAD 0.004%). This variant has not been reported in the literature in individuals affected with APC-related conditions. Advanced modeling of protein sequence and biophysical properties (such as structural, functional, and spatial information, amino acid conservation, physicochemical variation, residue mobility, and thermodynamic stability) performed at Invitae indicates that this missense variant is not expected to disrupt APC protein function with a negative predictive value of 95%. In summary, the available evidence is currently insufficient to determine the role of this variant in disease. Therefore, it has been classified as a Variant of Uncertain Significance.

NM_000038.6(APC):c.296G>T (p.Arg99Leu)

Gene: APC (APC regulator of Wnt signaling pathway; plus strand). Cytogenetic location: 5q22.2.
Variant type: single nucleotide variant.
Coding change: c.296G>T on transcript NM_000038.6 (MANE Select); coding-DNA position 296, G replaced by T.
Protein change: p.Arg99Leu; replaces arginine 99 with leucine.
Molecular consequence: missense variant. On other transcripts: 5 prime UTR variant (4), non-coding transcript variant (2).
Genome position (GRCh38, 1-based): chr5:112,767,264, G>T. VCF-style: chr5-112767264-G-T. GRCh37 (hg19) VCF-style: chr5-112102961-G-T.
Other names: c.296G>T, p.Arg99Leu (NM_001127510.3, NM_001354895.2, NM_001354896.2 and 16 more transcripts); c.326G>T, p.Arg109Leu (NM_001127511.3, NM_001354897.2, NM_001354902.2 and 1 more transcripts); c.221G>T, p.Arg74Leu (NM_001354898.2, NM_001354904.2, NM_001407451.1); c.119G>T, p.Arg40Leu (NM_001354900.2, NM_001354901.2, NM_001354905.2 and 1 more transcripts); c.-740G>T (NM_001354906.2, NM_001407470.1, NM_001407471.1 and 1 more transcripts); short protein forms R74L, R99L, R109L, R40L.
Identifiers: ClinVar variation 2708633 (VCV002708633.3), dbSNP rs199842850, ClinGen allele CA16021977.
Genomic context (GRCh38, chr5:112,767,264, plus strand): 5'-GCAGTAATTTCCCTGGAGTAAAACTGCGGTCAAAAATGTCCCTCCGTTCTTATGGAAGCC[G>T]GGAAGGATCTGTATCAAGCCGTTCTGGAGAGTGCAGTCCTGTTCCTATGGGTTCATTTCC-3'
Protein context (NP_000029.2, residues 89-109): SKMSLRSYGS[Arg99Leu]EGSVSSRSGE